The following is an entry in ClinVar:

NM_004168.4(SDHA):c.1900A>G (p.Thr634Ala)

Gene: SDHA (succinate dehydrogenase complex flavoprotein subunit A; plus strand). Cytogenetic location: 5p15.33.
Variant type: single nucleotide variant.
Coding change: c.1900A>G on transcript NM_004168.4 (MANE Select); coding-DNA position 1900, A replaced by G.
Protein change: p.Thr634Ala; replaces threonine 634 with alanine.
Molecular consequence: missense variant.
Genome position (GRCh38, 1-based): chr5:254,498, A>G. VCF-style: chr5-254498-A-G. GRCh37 (hg19) VCF-style: chr5-254613-A-G.
Other names: c.1756A>G, p.Thr586Ala (NM_001294332.2); c.1657A>G, p.Thr553Ala (NM_001330758.2); short protein forms T634A, T586A, T553A.
Identifiers: ClinVar variation 412383 (VCV000412383.11), dbSNP rs1017441235, ClinGen allele CA16612060.
Genomic context (GRCh38, chr5:254,498, plus strand): 5'-CAGAAGAAGCCCTTTGAGGAGCACTGGAGGAAGCACACCCTGTCCTATGTGGACGTTGGC[A>G]CTGGGAAGGTCAGTGTGGAGCTCGTTCTCACCACAGCCCAGCACCCACACGGCCCCGCCC-3'
Protein context (NP_004159.2, residues 624-644): KHTLSYVDVG[Thr634Ala]GKVTLEYRPV

ClinVar aggregate classification (germline): Uncertain significance. Review status: criteria provided, multiple submitters, no conflicts (2 of 4 stars). 2 submissions from 2 submitters: Uncertain significance (2). Last evaluated 2021-06-14.

Conditions:
Mitochondrial complex II deficiency, nuclear type 1. Also called: SUCCINATE CoQ REDUCTASE DEFICIENCY. Identifiers: Orphanet 3208, MedGen C5700310, MONDO:0100294, OMIM 252011.
Pheochromocytoma/paraganglioma syndrome 5. Also called: SDHA-Related Hereditary Paraganglioma-Pheochromocytoma Syndrome; Paragangliomas 5. Identifiers: Orphanet 29072, MedGen C3279992, MONDO:0013602, OMIM 614165.
Hereditary cancer-predisposing syndrome. Also called: Neoplastic Syndromes, Hereditary; Hereditary Cancer Syndrome; Tumor predisposition; Hereditary neoplastic syndrome. Identifiers: Orphanet 140162, MedGen C0027672, MeSH D009386, MONDO:0015356.

Allele frequency attached by ClinVar (database versions not stated): TOPMed below 0.00001.

Submissions (2):

Ambry Genetics
Classification: Uncertain significance for Hereditary cancer-predisposing syndrome. Last evaluated: 2021-06-14. Review status: criteria provided, single submitter. Criteria: Ambry Variant Classification Scheme 2023. Collection method: clinical testing. Allele origin: germline.
Comment: The p.T634A variant (also known as c.1900A>G), located in coding exon 14 of the SDHA gene, results from an A to G substitution at nucleotide position 1900. The threonine at codon 634 is replaced by alanine, an amino acid with similar properties. This amino acid position is highly conserved in available vertebrate species. In addition, the in silico prediction for this alteration is inconclusive. Since supporting evidence is limited at this time, the clinical significance of this alteration remains unclear.

Labcorp Genetics (formerly Invitae), Labcorp
Classification: Uncertain significance for Pheochromocytoma/paraganglioma syndrome 5; Mitochondrial complex II deficiency, nuclear type 1. Last evaluated: 2018-06-12. Review status: criteria provided, single submitter. Criteria: Invitae Variant Classification Sherloc (09022015). Collection method: clinical testing. Allele origin: germline.
Comment: This sequence change replaces threonine with alanine at codon 634 of the SDHA protein (p.Thr634Ala). The threonine residue is moderately conserved and there is a small physicochemical difference between threonine and alanine. This variant is not present in population databases (ExAC no frequency). This variant has not been reported in the literature in individuals with SDHA-related disease. ClinVar contains an entry for this variant (Variation ID: 412383). Algorithms developed to predict the effect of missense changes on protein structure and function (SIFT, PolyPhen-2, Align-GVGD) all suggest that this variant is likely to be tolerated, but these predictions have not been confirmed by published functional studies and their clinical significance is uncertain. In summary, the available evidence is currently insufficient to determine the role of this variant in disease. Therefore, it has been classified as a Variant of Uncertain Significance.